The following is an entry in ClinVar:

ClinVar aggregate classification (germline): Uncertain significance (1 of 4 stars; one submission).

gnomAD v4.1: 1 of 1,610,494 alleles (0.000062%); highest among the groups gnomAD compares: Non-Finnish European, 0.000085%; no homozygotes.

Submission:

GeneDx
Classification: Uncertain significance. Last evaluated: 2024-12-03. Review status: criteria provided, single submitter. Criteria: GeneDx Variant Classification Process June 2021. Collection method: clinical testing. Allele origin: germline. Affected: yes.
Comment: Not observed at significant frequency in large population cohorts (gnomAD); In silico analysis supports that this missense variant has a deleterious effect on protein structure/function; Has not been previously published as pathogenic or benign to our knowledge

NM_000702.4(ATP1A2):c.525G>T (p.Lys175Asn)

Genes: ATP1A2 (ATPase Na+/K+ transporting subunit alpha 2; plus strand), LOC126805890 (CDK7 strongly-dependent group 2 enhancer GRCh37_chr1:160093987-160095186; plus strand). Cytogenetic location: 1q23.2.
Variant type: single nucleotide variant.
Coding change: c.525G>T on transcript NM_000702.4 (MANE Select); coding-DNA position 525, G replaced by T.
Protein change: p.Lys175Asn; replaces lysine 175 with asparagine.
Molecular consequence: missense variant.
Genome position (GRCh38, 1-based): chr1:160,124,325, G>T. VCF-style: chr1-160124325-G-T. GRCh37 (hg19) VCF-style: chr1-160094115-G-T.
Other names: short protein forms K175N.
Identifiers: ClinVar variation 3901614 (VCV003901614.1).